The following is an entry in ClinVar:

NM_058216.3(RAD51C):c.1033_1040del (p.Gly345fs)

Gene: RAD51C (RAD51 paralog C; plus strand). Cytogenetic location: 17q22.
Variant type: Deletion.
Coding change: c.1033_1040del on transcript NM_058216.3 (MANE Select); coding-DNA positions 1033 to 1040, 8 bases deleted (GGATTTAG; older notation c.1033_1040delGGATTTAG).
Protein change: p.Gly345fs; shifts the reading frame from glycine 345.
Molecular consequence: frameshift variant. On other transcripts: non-coding transcript variant (1).
Genome position (GRCh38, 1-based): chr17:58,734,124-58,734,131, GGATTTAG deleted; deleting any 8 consecutive bases within chr17:58,734,122-58,734,131 gives the same sequence; the c. name uses the placement nearest the transcript's 3' end. VCF-style (leftmost placement, unchanged base first): chr17-58734121-CAGGGATTT-C. GRCh37 (hg19) VCF-style: chr17-56811482-CAGGGATTT-C.
Other names: c.*461_*468delGGATTTAG (NM_058217.1); short protein forms G345fs.
Identifiers: ClinVar variation 1771697 (VCV001771697.2), dbSNP rs2509369246, ClinGen allele CA2580094408.

ClinVar aggregate classification (germline): Uncertain significance (1 of 4 stars; one submission).

Conditions:
Hereditary cancer-predisposing syndrome. Also called: Hereditary Cancer Syndrome; Hereditary neoplastic syndrome; Neoplastic Syndromes, Hereditary; Tumor predisposition. Identifiers: Orphanet 140162, MedGen C0027672, MeSH D009386, MONDO:0015356.

Submission:

Ambry Genetics
Classification: Uncertain significance for Hereditary cancer-predisposing syndrome. Last evaluated: 2021-07-28. Review status: criteria provided, single submitter. Criteria: Ambry Variant Classification Scheme 2023. Collection method: clinical testing. Allele origin: germline.
Comment: The c.1033_1040delGGATTTAG variant, located in coding exon 9 of the RAD51C gene, results from a deletion of 8 nucleotides at nucleotide positions 1033 to 1040, causing a translational frameshift with a predicted alternate stop codon (p.G345Rfs*45). This alteration occurs at the 3' terminus of theRAD51C gene, is not expected to trigger nonsense-mediated mRNAdecay, and results in the elongation of the protein by 13 amino acids. This frameshift impacts the last 32 AA of the native protein. The exact functional effect of the altered amino acids is unknown. Since supporting evidence is limited at this time, the clinical significance of this alteration remains unclear.